The following is an entry in ClinVar:

ClinVar aggregate classification (germline): Uncertain significance (1 of 4 stars; one submission).

Submission:

Ambry Genetics
Classification: Uncertain significance. Last evaluated: 2025-08-20. Review status: criteria provided, single submitter. Criteria: Ambry Variant Classification Scheme 2023. Collection method: clinical testing. Allele origin: germline.
Comment: The p.E402Q variant (also known as c.1204G>C), located in coding exon 9 of the FAM175A gene, results from a G to C substitution at nucleotide position 1204. The glutamic acid at codon 402 is replaced by glutamine, an amino acid with highly similar properties. This amino acid position is conserved. In addition, this alteration is predicted to be tolerated by in silico analysis. Based on the available evidence, the clinical significance of this variant remains unclear.

NM_139076.3(ABRAXAS1):c.1204G>C (p.Glu402Gln)

Gene: ABRAXAS1 (abraxas 1, BRCA1 A complex subunit; minus strand). Cytogenetic location: 4q21.23.
Variant type: single nucleotide variant.
Coding change: c.1204G>C on transcript NM_139076.3 (MANE Select); coding-DNA position 1204, G replaced by C.
Protein change: p.Glu402Gln; replaces glutamic acid 402 with glutamine.
Molecular consequence: missense variant.
Genome position (GRCh38, 1-based): chr4:83,462,495, C>G on the plus strand (G>C on the coding strand, the complement: ABRAXAS1 is on the minus strand). VCF-style: chr4-83462495-C-G. GRCh37 (hg19) VCF-style: chr4-84383648-C-G.
Other names: c.877G>C, p.Glu293Gln (NM_001345962.2); short protein forms E293Q, E402Q.
Identifiers: ClinVar variation 4185900 (VCV004185900.1).